The following is an entry in ClinVar:

NM_000063.6(C2):c.819C>T (p.Phe273=)

Gene: C2 (complement C2; plus strand). Cytogenetic location: 6p21.33.
Variant type: single nucleotide variant.
Coding change: c.819C>T on transcript NM_000063.6 (MANE Select); coding-DNA position 819, C replaced by T.
Protein change: p.Phe273=; no amino-acid change (phenylalanine 273 retained).
Molecular consequence: synonymous variant. On other transcripts: intron variant (2).
Genome position (GRCh38, 1-based): chr6:31,934,269, C>T. VCF-style: chr6-31934269-C-T. GRCh37 (hg19) VCF-style: chr6-31902046-C-T.
Other names: c.423C>T, p.Phe141= (NM_001145903.3); c.732C>T, p.Phe244= (NM_001282458.2); c.819C>T, p.Phe273= (NM_001282459.2); c.111+486C>T (NM_001282457.2); c.346+304C>T (NM_001178063.3).
Identifiers: ClinVar variation 907956 (VCV000907956.6), dbSNP rs886360667, ClinGen allele CA136884617.

ClinVar aggregate classification (germline): Uncertain significance. Review status: criteria provided, multiple submitters, no conflicts (2 of 4 stars). 3 submissions from 2 submitters: Uncertain significance (3). Last evaluated 2026-01-24.

Conditions:
Complement component 2 deficiency (C2D). Also called: C2 deficiency. Identifiers: MedGen C0398756, MONDO:0009006, OMIM 217000.
Age related macular degeneration 14. Also called: MACULAR DEGENERATION, AGE-RELATED, 14, REDUCED RISK OF. Identifiers: MedGen C3809653, MONDO:0014207, OMIM 615489.

Allele frequency attached by ClinVar (database versions not stated): gnomAD exomes below 0.00001 and 0.00003; gnomAD 0.00001; TOPMed 0.00001.
gnomAD v4.1: 54 of 1,614,050 alleles (0.0033%); highest among the groups gnomAD compares: Non-Finnish European, 0.004%; no homozygotes.

Submissions (3):

Labcorp Genetics (formerly Invitae), Labcorp
Classification: Uncertain significance. Last evaluated: 2026-01-24. Review status: criteria provided, single submitter. Criteria: Invitae Variant Classification Sherloc (09022015). Collection method: clinical testing. Allele origin: germline.
Comment: This sequence change affects codon 273 of the C2 mRNA. It is a 'silent' change, meaning that it does not change the encoded amino acid sequence of the C2 protein. This variant is not present in population databases (gnomAD no frequency). This variant has not been reported in the literature in individuals affected with C2-related conditions. ClinVar contains an entry for this variant (Variation ID: 907956). Algorithms developed to predict the effect of sequence changes on RNA splicing suggest that this variant may disrupt the consensus splice site. In summary, the available evidence is currently insufficient to determine the role of this variant in disease. Therefore, it has been classified as a Variant of Uncertain Significance.

Illumina Laboratory Services, Illumina
Classification: Uncertain significance for Age related macular degeneration 14. Last evaluated: 2018-01-13. Review status: criteria provided, single submitter. Criteria: ICSL Variant Classification Criteria 13 December 2019. Collection method: clinical testing. Allele origin: germline.

Illumina Laboratory Services, Illumina
Classification: Uncertain significance for Complement component 2 deficiency. Last evaluated: 2018-01-13. Review status: criteria provided, single submitter. Criteria: ICSL Variant Classification Criteria 13 December 2019. Collection method: clinical testing. Allele origin: germline.